The following is an entry in ClinVar:

ClinVar aggregate classification (germline): Likely benign (1 of 4 stars; one submission).

Submission:

CeGaT Center for Human Genetics Tuebingen
Classification: Likely benign. Last evaluated: 2024-05-01. Review status: criteria provided, single submitter. Criteria: CeGaT Center For Human Genetics Tuebingen Variant Classification Criteria Version 2. Collection method: clinical testing. Allele origin: germline. Affected: yes. Observed: 1 variant allele.
Comment: ZSWIM6: PM2:Supporting, BP4, BP7

NM_020928.2(ZSWIM6):c.2493G>A (p.Glu831=)

Gene: ZSWIM6 (zinc finger SWIM-type containing 6; plus strand). Cytogenetic location: 5q12.1.
Variant type: single nucleotide variant.
Coding change: c.2493G>A on transcript NM_020928.2 (MANE Select); coding-DNA position 2493, G replaced by A.
Protein change: p.Glu831=; no amino-acid change (glutamic acid 831 retained).
Molecular consequence: synonymous variant.
Genome position (GRCh38, 1-based): chr5:61,538,925, G>A. VCF-style: chr5-61538925-G-A. GRCh37 (hg19) VCF-style: chr5-60834752-G-A.
Identifiers: ClinVar variation 3239428 (VCV003239428.19), dbSNP rs2478390551.